The following is an entry in ClinVar:

NM_178014.4(TUBB):c.229C>T (p.Arg77Cys)

Gene: TUBB (tubulin beta class I; plus strand). Cytogenetic location: 6p21.33.
Variant type: single nucleotide variant.
Coding change: c.229C>T on transcript NM_178014.4 (MANE Select); coding-DNA position 229, C replaced by T.
Protein change: p.Arg77Cys; replaces arginine 77 with cysteine.
Molecular consequence: missense variant. On other transcripts: non-coding transcript variant (1).
Genome position (GRCh38, 1-based): chr6:30,722,980, C>T. VCF-style: chr6-30722980-C-T. GRCh37 (hg19) VCF-style: chr6-30690757-C-T.
Other names: c.289C>T, p.Arg97Cys (NM_001293212.2); c.229C>T, p.Arg77Cys (NM_001293213.2); c.97C>T, p.Arg33Cys (NM_001293214.2); c.13C>T, p.Arg5Cys (NM_001293215.2, NM_001293216.2); c.229C>T (NM_178014.3); short protein forms R33C, R5C, R77C, R97C.
Identifiers: ClinVar variation 985795 (VCV000985795.31), dbSNP rs1776395738, ClinGen allele CA363143670.
Genomic context (GRCh38, chr6:30,722,980, plus strand): 5'-GGCAAATATGTTCCTCGTGCCATCCTGGTGGATCTAGAACCTGGGACCATGGACTCTGTT[C>T]GCTCAGGTCCTTTTGGCCAGATCTTTAGACCAGACAACTTTGTATTTGGTGAGTTATACA-3'
Protein context (NP_821133.1, residues 67-87): DLEPGTMDSV[Arg77Cys]SGPFGQIFRP

ClinVar aggregate classification (germline): Conflicting classifications of pathogenicity. Review status: criteria provided, conflicting classifications (1 of 4 stars). 4 submissions from 4 submitters: Pathogenic (1); Likely pathogenic (2); Uncertain significance (1). Last evaluated 2024-12-17.

Conditions:
Inborn genetic diseases. Identifiers: MedGen C0950123, MeSH D030342.
TUBB-related disorder. Also called: TUBB-related condition.

Submissions (4):

GeneDx
Classification: Pathogenic. Last evaluated: 2024-12-17. Review status: criteria provided, single submitter. Criteria: GeneDx Variant Classification Process June 2021. Collection method: clinical testing. Allele origin: germline. Affected: yes.
Comment: Not observed at significant frequency in large population cohorts (gnomAD); In silico analysis supports that this missense variant has a deleterious effect on protein structure/function; Has not been previously published as pathogenic or benign to our knowledge

CeGaT Center for Human Genetics Tuebingen
Classification: Likely pathogenic. Last evaluated: 2023-09-01. Review status: criteria provided, single submitter. Criteria: CeGaT Center For Human Genetics Tuebingen Variant Classification Criteria Version 2. Collection method: clinical testing. Allele origin: germline. Affected: yes. Observed: 1 variant allele.
Comment: TUBB: PS2, PM2, PP2, PP3

Blueprint Genetics
Classification: Likely pathogenic for TUBB-related disorders. Last evaluated: 2020-08-11. Review status: criteria provided, single submitter. Criteria: ACMG Guidelines, 2015. Collection method: clinical testing. Allele origin: de novo. Affected: yes. Observed: 3 variant alleles.

Ambry Genetics
Classification: Uncertain significance for Inborn genetic diseases. Last evaluated: 2017-12-20. Review status: criteria provided, single submitter. Criteria: Ambry exome assertion method (8-5-2015). Collection method: clinical testing. Allele origin: germline. Affected: yes. Observed: 1 variant allele.